The following is an entry in ClinVar:

ClinVar aggregate classification (germline): Pathogenic (1 of 4 stars; one submission).

Conditions:
Glycogen storage disease, type V (GSD5). Also called: MYOPHOSPHORYLASE DEFICIENCY; PYGM DEFICIENCY; McArdle type glycogen storage disease; MCARDLE DISEASE; MUSCLE GLYCOGEN PHOSPHORYLASE DEFICIENCY. Identifiers: Orphanet 368, MedGen C0017924, MONDO:0009293, OMIM 232600.

Submission:

Labcorp Genetics (formerly Invitae), Labcorp
Classification: Pathogenic for Glycogen storage disease, type V. Last evaluated: 2022-03-22. Review status: criteria provided, single submitter. Criteria: Invitae Variant Classification Sherloc (09022015). Collection method: clinical testing. Allele origin: germline.
Comment: This variant is a gross deletion of the genomic region encompassing exon(s) 1-5 of the PYGM gene, which includes the initiator codon. This deletion extends beyond the assayed region for this gene and therefore may encompass additional genes. It is expected to result in an absent or disrupted protein product. Loss-of-function variants in PYGM are known to be pathogenic (PMID: 8316268, 16786513). This variant has not been reported in the literature in individuals affected with PYGM-related conditions. For these reasons, this variant has been classified as Pathogenic.

Literature cited by the submitters: PubMed 8316268; PubMed 16786513.

NC_000011.9:g.(?_64525241)_(64527380_?)del

Gene: PYGM (glycogen phosphorylase, muscle associated; minus strand). Cytogenetic location: 11q13.1.
Variant type: Deletion.
Identifiers: ClinVar variation 1076041 (VCV001076041.5).